The following is an entry in ClinVar:

ClinVar aggregate classification (germline): Likely benign (1 of 4 stars; one submission).

Conditions:
CUL4B-related disorder. Also called: CUL4B-related condition.

gnomAD v4.1: 2 of 1,196,262 alleles (0.00017%); highest among the groups gnomAD compares: South Asian, 0.0035%; no homozygotes.

Submission:

PreventionGenetics, part of Exact Sciences
Classification: Likely benign for CUL4B-related condition. Last evaluated: 2025-12-19. Review status: criteria provided, single submitter. Criteria: ACMG Guidelines, 2015. Collection method: clinical testing. Allele origin: germline.
Comment: This variant is classified as likely benign based on ACMG/AMP sequence variant interpretation guidelines (Richards et al. 2015 PMID: 25741868, with internal and published modifications).

NM_001079872.2(CUL4B):c.2267-6C>T

Gene: CUL4B (cullin 4B; minus strand). Cytogenetic location: Xq24.
Variant type: single nucleotide variant.
Coding change: c.2267-6C>T on transcript NM_001079872.2 (MANE Select); 6 bases into the intron before coding-DNA position 2267, C replaced by T.
Molecular consequence: intron variant.
Genome position (GRCh38, 1-based): chrX:120,532,600, G>A on the plus strand (C>T on the coding strand, the complement: CUL4B is on the minus strand). VCF-style: chrX-120532600-G-A. GRCh37 (hg19) VCF-style: chrX-119666455-G-A.
Other names: c.2321-6C>T (NM_003588.4); c.2282-6C>T (NM_001330624.2); c.1733-6C>T (NM_001369145.1).
Identifiers: ClinVar variation 4995411 (VCV004995411.1).
Genomic context (GRCh38, chrX:120,532,600, plus strand): 5'-ACTCTAGCTTTGCCACAGGCTAATGACTGCAGTGTTCTCCTTAACTCTCCATCCTCTGAA[G>A]AAGAAACAGAGGTTTAGTTATTTGTTACCAGCATGAACAACTACGACATTCTACCTCAAT-3'